The following is an entry in ClinVar:

NM_005876.5(SPEG):c.9241G>A (p.Val3081Met)

Genes: ASIC4-AS1 (ASIC4 antisense RNA 1; minus strand), SPEG (striated muscle enriched protein kinase; plus strand). Cytogenetic location: 2q35.
Variant type: single nucleotide variant.
Coding change: c.9241G>A on transcript NM_005876.5 (MANE Select); coding-DNA position 9241, G replaced by A.
Protein change: p.Val3081Met; replaces valine 3081 with methionine.
Molecular consequence: missense variant.
Genome position (GRCh38, 1-based): chr2:219,490,812, G>A. VCF-style: chr2-219490812-G-A. GRCh37 (hg19) VCF-style: chr2-220355534-G-A.
Other names: short protein forms V3081M.
Identifiers: ClinVar variation 1910802 (VCV001910802.4), dbSNP rs375345784, ClinGen allele CA2127711.
Genomic context (GRCh38, chr2:219,490,812, plus strand): 5'-GACGTGGCCACTTACATGGTGCAGCTGCTACAAGGCCTGGACTACCTCCACGGCCACCAC[G>A]TGCTCCACCTAGACATCAAGCCAGACAACCTGCTGCTGGCCCCTGACAATGCCCTCAAGA-3'
Protein context (NP_005867.3, residues 3071-3091): QGLDYLHGHH[Val3081Met]LHLDIKPDNL

ClinVar aggregate classification (germline): Uncertain significance (1 of 4 stars; one submission).

Allele frequency attached by ClinVar (database versions not stated): gnomAD exomes 0.00001; ExAC 0.00002; TOPMed 0.00002; gnomAD 0.00003; ESP Exome Variant Server 0.00008.
gnomAD v4.1: 15 of 1,613,948 alleles (0.00093%); highest among the groups gnomAD compares: Admixed American, 0.0033%; no homozygotes.

Submission:

Labcorp Genetics (formerly Invitae), Labcorp
Classification: Uncertain significance. Last evaluated: 2022-08-06. Review status: criteria provided, single submitter. Criteria: Invitae Variant Classification Sherloc (09022015). Collection method: clinical testing. Allele origin: germline.
Comment: This sequence change replaces valine, which is neutral and non-polar, with methionine, which is neutral and non-polar, at codon 3081 of the SPEG protein (p.Val3081Met). This variant is present in population databases (rs375345784, gnomAD 0.003%). This variant has not been reported in the literature in individuals affected with SPEG-related conditions. Algorithms developed to predict the effect of missense changes on protein structure and function are either unavailable or do not agree on the potential impact of this missense change (SIFT: "Deleterious"; PolyPhen-2: "Possibly Damaging"; Align-GVGD: "Class C0"). In summary, the available evidence is currently insufficient to determine the role of this variant in disease. Therefore, it has been classified as a Variant of Uncertain Significance.